The following is an entry in ClinVar:

NM_018834.6(MATR3):c.1347C>T (p.Ala449=)

Gene: MATR3 (matrin 3; plus strand). Cytogenetic location: 5q31.2.
Variant type: single nucleotide variant.
Coding change: c.1347C>T on transcript NM_018834.6 (MANE Select); coding-DNA position 1347, C replaced by T.
Protein change: p.Ala449=; no amino-acid change (alanine 449 retained).
Molecular consequence: synonymous variant.
Genome position (GRCh38, 1-based): chr5:139,318,946, C>T. VCF-style: chr5-139318946-C-T. GRCh37 (hg19) VCF-style: chr5-138654635-C-T.
Other names: c.1347C>T, p.Ala449= (NM_001194954.2, NM_001194955.2, NM_199189.3); c.483C>T, p.Ala161= (NM_001194956.2); c.333C>T, p.Ala111= (NM_001282278.2).
Identifiers: ClinVar variation 351126 (VCV000351126.15), dbSNP rs141986556, ClinGen allele CA3433128.
Genomic context (GRCh38, chr5:139,318,946, plus strand): 5'-ATAACTTTTTGTATAATTTCAGGCATTTATTGAAATGGCAACCACAGAGGATGCTCAGGC[C>T]GCAGTGGATTATTACACAACCACACCAGCGTTAGTATTTGGCAAGCCAGTGAGAGTTCAT-3'
Protein context (NP_061322.2, residues 439-459): IEMATTEDAQ[Ala449=]AVDYYTTTPA

ClinVar aggregate classification (germline): Benign. Review status: criteria provided, multiple submitters, no conflicts (2 of 4 stars). 2 submissions from 2 submitters: Benign (2). Last evaluated 2026-01-16.

Conditions:
Amyotrophic lateral sclerosis type 21. Also called: VOCAL CORD AND PHARYNGEAL DYSFUNCTION WITH DISTAL MYOPATHY; MYOPATHY, DISTAL, 2. Identifiers: Orphanet 600, Orphanet 803, MedGen C3807521, MONDO:0011632, OMIM 606070.

Allele frequency attached by ClinVar (database versions not stated): gnomAD exomes 0.00037; ExAC 0.00044; 1000 Genomes Project 30x 0.00078; 1000 Genomes Project 0.00080; ESP Exome Variant Server 0.00108; gnomAD 0.00115 and 0.00120; TOPMed 0.00131.
gnomAD v4.1: 454 of 1,613,954 alleles (0.028%); highest among the groups gnomAD compares: African/African-American, 0.38%; no homozygotes.

Submissions (2):

Labcorp Genetics (formerly Invitae), Labcorp
Classification: Benign for Amyotrophic lateral sclerosis type 21. Last evaluated: 2026-01-16. Review status: criteria provided, single submitter. Criteria: Invitae Variant Classification Sherloc (09022015). Collection method: clinical testing. Allele origin: germline.

Illumina Laboratory Services, Illumina
Classification: Benign for Amyotrophic lateral sclerosis type 21. Last evaluated: 2018-01-13. Review status: criteria provided, single submitter. Criteria: ICSL Variant Classification Criteria 13 December 2019. Collection method: clinical testing. Allele origin: germline.
Comment: This variant was observed in the ICSL laboratory as part of a predisposition screen in an ostensibly healthy population. It had not been previously curated by ICSL or reported in the Human Gene Mutation Database (HGMD: prior to June 1st, 2018), and was therefore a candidate for classification through an automated scoring system. Utilizing variant allele frequency, disease prevalence and penetrance estimates, and inheritance mode, an automated score was calculated to assess if this variant is too frequent to cause the disease. Based on the score and internal cut-off values, a variant classified as benign is not then subjected to further curation. The score for this variant resulted in a classification of benign for this disease.